The following is an entry in ClinVar:

ClinVar aggregate classification (germline): Uncertain significance. Review status: criteria provided, multiple submitters, no conflicts (2 of 4 stars). 2 submissions from 2 submitters: Uncertain significance (2). Last evaluated 2024-07-02.

Conditions:
Polyglandular autoimmune syndrome, type 1 (APS1). Also called: HYPOADRENOCORTICISM WITH HYPOPARATHYROIDISM AND SUPERFICIAL MONILIASIS; Autoimmune polyendocrinopathy syndrome, type I; PGA I; Autoimmune polyendocrinopathy syndrome , type I, with or without reversible metaphyseal dysplasia; AUTOIMMUNE POLYENDOCRINE SYNDROME, TYPE I, WITH OR WITHOUT REVERSIBLE METAPHYSEAL DYSPLASIA; APS I. Identifiers: Orphanet 3453, MedGen C0085859, MONDO:0009411, OMIM 240300.

Submissions (2):

Women's Health and Genetics/Laboratory Corporation of America, LabCorp
Classification: Uncertain significance. Last evaluated: 2024-07-02. Review status: criteria provided, single submitter. Criteria: LabCorp Variant Classification Summary - May 2015. Collection method: clinical testing. Allele origin: germline.
Comment: Variant summary: AIRE c.238G>A (p.Val80Met) results in a conservative amino acid change located in the HSR domain (IPR004865) of the encoded protein sequence. Three of five in-silico tools predict a benign effect of the variant on protein function. The variant was absent in 250996 control chromosomes. The available data on variant occurrences in the general population are insufficient to allow any conclusion about variant significance. To our knowledge, no occurrence of c.238G>A in individuals affected with Autoimmune Polyglandular Syndrome Type 1 and no experimental evidence demonstrating its impact on protein function have been reported. ClinVar contains an entry for this variant (Variation ID: 3016461). Based on the evidence outlined above, the variant was classified as uncertain significance.

Labcorp Genetics (formerly Invitae), Labcorp
Classification: Uncertain significance for Polyglandular autoimmune syndrome, type 1. Last evaluated: 2023-02-10. Review status: criteria provided, single submitter. Criteria: Invitae Variant Classification Sherloc (09022015). Collection method: clinical testing. Allele origin: germline.
Comment: Advanced modeling of protein sequence and biophysical properties (such as structural, functional, and spatial information, amino acid conservation, physicochemical variation, residue mobility, and thermodynamic stability) has been performed at Invitae for this missense variant, however the output from this modeling did not meet the statistical confidence thresholds required to predict the impact of this variant on AIRE protein function. This variant has not been reported in the literature in individuals affected with AIRE-related conditions. This variant is not present in population databases (gnomAD no frequency). This sequence change replaces valine, which is neutral and non-polar, with methionine, which is neutral and non-polar, at codon 80 of the AIRE protein (p.Val80Met). In summary, the available evidence is currently insufficient to determine the role of this variant in disease. Therefore, it has been classified as a Variant of Uncertain Significance.

NM_000383.4(AIRE):c.238G>A (p.Val80Met)

Gene: AIRE (autoimmune regulator; plus strand). Cytogenetic location: 21q22.3.
Variant type: single nucleotide variant.
Coding change: c.238G>A on transcript NM_000383.4 (MANE Select); coding-DNA position 238, G replaced by A.
Protein change: p.Val80Met; replaces valine 80 with methionine.
Molecular consequence: missense variant.
Genome position (GRCh38, 1-based): chr21:44,286,662, G>A. VCF-style: chr21-44286662-G-A. GRCh37 (hg19) VCF-style: chr21-45706545-G-A.
Other names: short protein forms V80M.
Identifiers: ClinVar variation 3016461 (VCV003016461.4), dbSNP rs179363881, ClinGen allele CA410423419.